The following is an entry in ClinVar:

ClinVar aggregate classification (germline): Uncertain significance (1 of 4 stars; one submission).

Conditions:
RASopathy. Also called: Noonan spectrum disorder; rasopathies. Identifiers: Orphanet 536391, MedGen C5555857, MONDO:0021060.

Submission:

Labcorp Genetics (formerly Invitae), Labcorp
Classification: Uncertain significance for RASopathy. Last evaluated: 2022-09-20. Review status: criteria provided, single submitter. Criteria: Invitae Variant Classification Sherloc (09022015). Collection method: clinical testing. Allele origin: germline.
Comment: This variant is not present in population databases (gnomAD no frequency). This variant has not been reported in the literature in individuals affected with SHOC2-related conditions. Algorithms developed to predict the effect of missense changes on protein structure and function (SIFT, PolyPhen-2, Align-GVGD) all suggest that this variant is likely to be tolerated. In summary, the available evidence is currently insufficient to determine the role of this variant in disease. Therefore, it has been classified as a Variant of Uncertain Significance. This sequence change replaces serine, which is neutral and polar, with proline, which is neutral and non-polar, at codon 11 of the SHOC2 protein (p.Ser11Pro).

NM_007373.4(SHOC2):c.31T>C (p.Ser11Pro)

Gene: SHOC2 (SHOC2 leucine rich repeat scaffold protein; plus strand). Cytogenetic location: 10q25.2.
Variant type: single nucleotide variant.
Coding change: c.31T>C on transcript NM_007373.4 (MANE Select); coding-DNA position 31, T replaced by C.
Protein change: p.Ser11Pro; replaces serine 11 with proline.
Molecular consequence: missense variant.
Genome position (GRCh38, 1-based): chr10:110,964,389, T>C. VCF-style: chr10-110964389-T-C. GRCh37 (hg19) VCF-style: chr10-112724147-T-C.
Other names: c.31T>C, p.Ser11Pro (NM_001269039.3, NM_001324336.2, NM_001324337.2); short protein forms S11P.
Identifiers: ClinVar variation 2077589 (VCV002077589.4), dbSNP rs2493837847, ClinGen allele CA378380423.
Genomic context (GRCh38, chr10:110,964,389, plus strand): 5'-CATGTAGTTTTTGTCCAGGCTTGAGTCACCATGAGTAGTAGTTTAGGAAAAGAAAAAGAC[T>C]CTAAAGAAAAAGATCCCAAAGTACCATCAGCCAAGGAAAGAGAAAAGGAGGCAAAAGCCT-3'
Protein context (NP_031399.2, residues 1-21): MSSSLGKEKD[Ser11Pro]KEKDPKVPSA